The following is an entry in ClinVar:

NM_001329630.2(PLEKHA7):c.721C>A (p.Leu241Ile)

Gene: PLEKHA7 (pleckstrin homology domain containing A7; minus strand). Cytogenetic location: 11p15.2.
Variant type: single nucleotide variant.
Coding change: c.721C>A on transcript NM_001329630.2 (MANE Select); coding-DNA position 721, C replaced by A.
Protein change: p.Leu241Ile; replaces leucine 241 with isoleucine.
Molecular consequence: missense variant.
Genome position (GRCh38, 1-based): chr11:16,841,698, G>T on the plus strand (C>A on the coding strand, the complement: PLEKHA7 is on the minus strand). VCF-style: chr11-16841698-G-T. GRCh37 (hg19) VCF-style: chr11-16863245-G-T.
Other names: c.721C>A, p.Leu241Ile (NM_001329631.2, NM_001410960.1, NM_175058.5); short protein forms L241I.
Identifiers: ClinVar variation 3039058 (VCV003039058.2), dbSNP rs35908144, ClinGen allele CA5899671.

ClinVar aggregate classification (germline): Benign (0 of 4 stars; one submission).

Conditions:
PLEKHA7-related disorder. Also called: PLEKHA7-related condition.

Allele frequency attached by ClinVar (database versions not stated): gnomAD exomes 0.00064; ExAC 0.00222; 1000 Genomes Project 0.00539; 1000 Genomes Project 30x 0.00625; gnomAD 0.00704; TOPMed 0.00743; ESP Exome Variant Server 0.00808.
gnomAD v4.1: 2,052 of 1,614,108 alleles (0.13%); highest among the groups gnomAD compares: African/African-American, 2.4%; 22 homozygotes.

Submission:

PreventionGenetics, part of Exact Sciences
Classification: Benign for PLEKHA7-related condition. Last evaluated: 2019-05-23. Review status: no assertion criteria provided. Collection method: clinical testing. Allele origin: germline.
Comment: This variant is classified as benign based on ACMG/AMP sequence variant interpretation guidelines (Richards et al. 2015 PMID: 25741868, with internal and published modifications).